The following is an entry in ClinVar:

ClinVar aggregate classification (germline): Uncertain significance (1 of 4 stars; one submission).

Conditions:
Hemochromatosis type 2A (HFE2A). Also called: Adult-Onset Hemochromatosis; HJV (HFE2)-Related Juvenile Hemochromatosis. Identifiers: Orphanet 79230, MedGen C1865614, MONDO:0011216, OMIM 602390.

gnomAD v4.1: 4 of 1,613,720 alleles (0.00025%); highest among the groups gnomAD compares: Admixed American, 0.0017%; no homozygotes.

Submission:

Institute of Immunology and Genetics Kaiserslautern
Classification: Uncertain significance for Hemochromatosis type 2A. Last evaluated: 2024-08-14. Review status: criteria provided, single submitter. Criteria: ACMG Guidelines, 2015. Collection method: clinical testing. Allele origin: germline. Affected: yes.
Comment: ACMG Criteria: PM2, PP3; Variant was found in heterozygous state together with the heterozygous variant NM_213653.4:c.1142T>C

NM_213653.4(HJV):c.116T>C (p.Ile39Thr)

Gene: HJV (hemojuvelin BMP co-receptor; minus strand). Cytogenetic location: 1q21.1.
Variant type: single nucleotide variant.
Coding change: c.116T>C on transcript NM_213653.4 (MANE Select); coding-DNA position 116, T replaced by C.
Protein change: p.Ile39Thr; replaces isoleucine 39 with threonine.
Molecular consequence: missense variant. On other transcripts: 5 prime UTR variant (3), intron variant (1).
Genome position (GRCh38, 1-based): chr1:146,019,716, A>G on the plus strand (T>C on the coding strand, the complement: HJV is on the minus strand). VCF-style: chr1-146019716-A-G. GRCh37 (hg19) VCF-style: chr1-145415297-T-C.
Other names: c.-40T>C (NM_001316767.2, NM_202004.4); c.116T>C, p.Ile39Thr (NM_001379352.1); c.-224T>C (NM_145277.5); c.-21-1016T>C (NM_213652.4); short protein forms I39T.
Identifiers: ClinVar variation 3366974 (VCV003366974.1).